The following is an entry in ClinVar:

ClinVar aggregate classification (germline): Likely pathogenic (1 of 4 stars; one submission).

Conditions:
Dilated cardiomyopathy 1G (CMD1G). Identifiers: Orphanet 154, MedGen C1858763, MONDO:0011400, OMIM 604145.
Autosomal recessive limb-girdle muscular dystrophy type 2J (LGMDR10). Also called: Limb-girdle muscular dystrophy, type 2J; MUSCULAR DYSTROPHY, LIMB-GIRDLE, AUTOSOMAL RECESSIVE 10. Identifiers: Orphanet 140922, MedGen C1837342, MONDO:0012127, OMIM 608807.

Submission:

Labcorp Genetics (formerly Invitae), Labcorp
Classification: Likely pathogenic for Dilated cardiomyopathy 1G; Autosomal recessive limb-girdle muscular dystrophy type 2J. Last evaluated: 2024-06-15. Review status: criteria provided, single submitter. Criteria: Invitae Variant Classification Sherloc (09022015). Collection method: clinical testing. Allele origin: germline.
Comment: This sequence change creates a premature translational stop signal (p.Val26991Alafs*15) in the TTN gene. While this is not anticipated to result in nonsense mediated decay, it is expected to create a truncated TTN protein. This variant is not present in population databases (gnomAD no frequency). This variant has not been reported in the literature in individuals affected with TTN-related conditions. This variant is located in the A band of TTN (PMID: 25589632). Truncating variants in this region are significantly overrepresented in patients affected with dilated cardiomyopathy (PMID: 25589632). Truncating variants in this region have also been reported in individuals affected with autosomal recessive centronuclear myopathy (PMID: 23975875). In summary, the currently available evidence indicates that the variant is pathogenic, but additional data are needed to prove that conclusively. Therefore, this variant has been classified as Likely Pathogenic.

Literature cited by the submitters: PubMed 25589632; PubMed 23975875.

NM_001267550.2(TTN):c.80972del (p.Val26991fs)

Genes: TTN-AS1 (TTN antisense RNA 1; plus strand), TTN (titin; minus strand). Cytogenetic location: 2q31.2.
Variant type: Deletion.
Coding change: c.80972del on transcript NM_001267550.2 (MANE Select); coding-DNA position 80972, one base deleted (T; older notation c.80972delT).
Protein change: p.Val26991fs; shifts the reading frame from valine 26991.
Molecular consequence: frameshift variant.
Genome position (GRCh38, 1-based): chr2:178,565,160, A deleted on the plus strand (T on the coding strand, the reverse complement: TTN is on the minus strand). VCF-style (leftmost placement, unchanged base first): chr2-178565159-GA-G. GRCh37 (hg19) VCF-style: chr2-179429886-GA-G.
Other names: c.73268del, p.Val24423fs (NM_133378.4); c.54152del, p.Val18051fs (NM_133432.3); c.54353del, p.Val18118fs (NM_133437.4); c.76049del, p.Val25350fs (NM_001256850.1); c.53777del, p.Val17926fs (NM_003319.4); short protein forms V17926fs, V18051fs, V18118fs, V24423fs, V25350fs, V26991fs.
Identifiers: ClinVar variation 3756835 (VCV003756835.2).